The following is an entry in ClinVar:

ClinVar aggregate classification (germline): Uncertain significance (1 of 4 stars; one submission).

Allele frequency attached by ClinVar (database versions not stated): TOPMed below 0.00001; gnomAD exomes 0.00001.
gnomAD v4.1: 8 of 1,612,378 alleles (0.0005%); highest among the groups gnomAD compares: East Asian, 0.0022%; no homozygotes.

Submission:

GeneDx
Classification: Uncertain significance. Last evaluated: 2020-09-09. Review status: criteria provided, single submitter. Criteria: GeneDx Variant Classification Process June 2021. Collection method: clinical testing. Allele origin: germline. Affected: yes.
Comment: Intronic +5 splice site variant in a gene for which loss-of-function is a known mechanism of disease and splice predictors support a deleterious effect; Has not been previously published as pathogenic or benign to our knowledge

NM_007118.4(TRIO):c.4859+5G>A

Gene: TRIO (trio Rho guanine nucleotide exchange factor; plus strand). Cytogenetic location: 5p15.2.
Variant type: single nucleotide variant.
Coding change: c.4859+5G>A on transcript NM_007118.4 (MANE Select); 5 bases into the intron after coding-DNA position 4859, G replaced by A.
Molecular consequence: intron variant.
Genome position (GRCh38, 1-based): chr5:14,405,995, G>A. VCF-style: chr5-14405995-G-A. GRCh37 (hg19) VCF-style: chr5-14406104-G-A.
Identifiers: ClinVar variation 1313155 (VCV001313155.2), dbSNP rs1219022372, ClinGen allele CA557890053.